The following is an entry in ClinVar:

NM_000538.4(RFXAP):c.718A>G (p.Arg240Gly)

Gene: RFXAP (regulatory factor X associated protein; plus strand). Cytogenetic location: 13q13.3.
Variant type: single nucleotide variant.
Coding change: c.718A>G on transcript NM_000538.4 (MANE Select); coding-DNA position 718, A replaced by G.
Protein change: p.Arg240Gly; replaces arginine 240 with glycine.
Molecular consequence: missense variant.
Genome position (GRCh38, 1-based): chr13:36,827,652, A>G. VCF-style: chr13-36827652-A-G. GRCh37 (hg19) VCF-style: chr13-37401789-A-G.
Other names: short protein forms R240G.
Identifiers: ClinVar variation 1920576 (VCV001920576.4), dbSNP rs776258179, ClinGen allele CA6950284.

ClinVar aggregate classification (germline): Uncertain significance (1 of 4 stars; one submission).

Conditions:
MHC class II deficiency. Also called: Bare lymphocyte syndrome 2; BLS, TYPE II. Identifiers: Orphanet 572, MedGen C5447452, MONDO:0008855.

Allele frequency attached by ClinVar (database versions not stated): ExAC 0.00001; gnomAD 0.00001.
gnomAD v4.1: 17 of 1,613,250 alleles (0.0011%); highest among the groups gnomAD compares: African/African-American, 0.0013%; no homozygotes.

Submission:

Labcorp Genetics (formerly Invitae), Labcorp
Classification: Uncertain significance for MHC class II deficiency. Last evaluated: 2024-10-07. Review status: criteria provided, single submitter. Criteria: Invitae Variant Classification Sherloc (09022015). Collection method: clinical testing. Allele origin: germline.
Comment: This sequence change replaces arginine, which is basic and polar, with glycine, which is neutral and non-polar, at codon 240 of the RFXAP protein (p.Arg240Gly). This variant is present in population databases (rs776258179, gnomAD 0.004%). This variant has not been reported in the literature in individuals affected with RFXAP-related conditions. ClinVar contains an entry for this variant (Variation ID: 1920576). Invitae Evidence Modeling of protein sequence and biophysical properties (such as structural, functional, and spatial information, amino acid conservation, physicochemical variation, residue mobility, and thermodynamic stability) has been performed for this missense variant. However, the output from this modeling did not meet the statistical confidence thresholds required to predict the impact of this variant on RFXAP protein function. In summary, the available evidence is currently insufficient to determine the role of this variant in disease. Therefore, it has been classified as a Variant of Uncertain Significance.